The following is an entry in ClinVar:

NM_001848.3(COL6A1):c.2512G>A (p.Ala838Thr)

Gene: COL6A1 (collagen type VI alpha 1 chain; plus strand). Cytogenetic location: 21q22.3.
Variant type: single nucleotide variant.
Coding change: c.2512G>A on transcript NM_001848.3 (MANE Select); coding-DNA position 2512, G replaced by A.
Protein change: p.Ala838Thr; replaces alanine 838 with threonine.
Molecular consequence: missense variant.
Genome position (GRCh38, 1-based): chr21:46,003,438, G>A. VCF-style: chr21-46003438-G-A. GRCh37 (hg19) VCF-style: chr21-47423352-G-A.
Other names: short protein forms A838T.
Identifiers: ClinVar variation 258298 (VCV000258298.13), dbSNP rs529770550, ClinGen allele CA10070947.
Genomic context (GRCh38, chr21:46,003,438, plus strand): 5'-CCCCGCCCCGCAGTCACGTTCTCCTCCCCGGCTGACATCACCATCCTGCTGGACGGCTCC[G>A]CCAGCGTGGGCAGCCACAACTTTGACACCACCAAGCGCTTCGCCAAGCGCCTGGCCGAGC-3'
Protein context (NP_001839.2, residues 828-848): ADITILLDGS[Ala838Thr]SVGSHNFDTT

ClinVar aggregate classification (germline): Conflicting classifications of pathogenicity. Review status: criteria provided, conflicting classifications (1 of 4 stars). 4 submissions from 4 submitters: Uncertain significance (2); Likely benign (2). Last evaluated 2025-10-13.

Conditions:
Inborn genetic diseases. Identifiers: MedGen C0950123, MeSH D030342.
Bethlem myopathy 1A. Also called: Bethlem myopathy 1; MYOPATHY, BENIGN CONGENITAL, WITH CONTRACTURES; Bethlem Muscular Dystrophy. Identifiers: Orphanet 610, MedGen CN029274, MONDO:0024530, OMIM 158810.

Allele frequency attached by ClinVar (database versions not stated): gnomAD 0.00003; gnomAD exomes 0.00003 and 0.00005; TOPMed 0.00003; ExAC 0.00006; 1000 Genomes Project 0.00040; 1000 Genomes Project 30x 0.00047.
gnomAD v4.1: 53 of 1,603,742 alleles (0.0033%); highest among the groups gnomAD compares: Admixed American, 0.005%; no homozygotes.

Submissions (4):

Labcorp Genetics (formerly Invitae), Labcorp
Classification: Likely benign for Bethlem myopathy 1A. Last evaluated: 2025-10-13. Review status: criteria provided, single submitter. Criteria: Invitae Variant Classification Sherloc (09022015). Collection method: clinical testing. Allele origin: germline.

Ambry Genetics
Classification: Uncertain significance for Inborn genetic diseases. Last evaluated: 2024-02-26. Review status: criteria provided, single submitter. Criteria: Ambry Variant Classification Scheme 2023. Collection method: clinical testing. Allele origin: germline.

GeneDx
Classification: Uncertain significance. Last evaluated: 2017-02-28. Review status: criteria provided, single submitter. Criteria: GeneDx Variant Classification (06012015). Collection method: clinical testing. Allele origin: germline. Affected: yes.
Comment: The A838T variant has not been published as a pathogenic variant, nor has it been reported as a benign variant to our knowledge. The A838T variant is not observed at a significant frequency in large population cohorts (Lek et al., 2016; 1000 Genomes Consortium et al., 2015; Exome Variant Server). This variant is a non-conservative amino acid substitution, which is likely to impact secondary protein structure as these residues differ in polarity, charge, size and/or other properties. This substitution occurs at a position that is conserved in mammals; however, missense variants in nearby residues have not been reported in the Human Gene Mutation Database in association with COL6A1-related disorders (Stenson et al., 2014). In silico analysis is inconsistent in its predictions as to whether or not the variant is damaging to the protein structure/function.

PreventionGenetics, part of Exact Sciences
Classification: Likely benign. Review status: criteria provided, single submitter. Criteria: ACMG Guidelines, 2015. Collection method: clinical testing. Allele origin: germline.